The following is an entry in ClinVar:

ClinVar aggregate classification (germline): Uncertain significance (1 of 4 stars; one submission).

Submission:

Labcorp Genetics (formerly Invitae), Labcorp
Classification: Uncertain significance. Last evaluated: 2024-03-13. Review status: criteria provided, single submitter. Criteria: Invitae Variant Classification Sherloc (09022015). Collection method: clinical testing. Allele origin: germline.
Comment: This sequence change replaces asparagine, which is neutral and polar, with lysine, which is basic and polar, at codon 182 of the ANGPT1 protein (p.Asn182Lys). This variant is not present in population databases (gnomAD no frequency). This variant has not been reported in the literature in individuals affected with ANGPT1-related conditions. An algorithm developed to predict the effect of missense changes on protein structure and function (PolyPhen-2) suggests that this variant is likely to be tolerated. In summary, the available evidence is currently insufficient to determine the role of this variant in disease. Therefore, it has been classified as a Variant of Uncertain Significance.

NM_001146.5(ANGPT1):c.546T>A (p.Asn182Lys)

Gene: ANGPT1 (angiopoietin 1; minus strand). Cytogenetic location: 8q23.1.
Variant type: single nucleotide variant.
Coding change: c.546T>A on transcript NM_001146.5 (MANE Select); coding-DNA position 546, T replaced by A.
Protein change: p.Asn182Lys; replaces asparagine 182 with lysine.
Molecular consequence: missense variant. On other transcripts: 5 prime UTR variant (1).
Genome position (GRCh38, 1-based): chr8:107,336,179, A>T on the plus strand (T>A on the coding strand, the complement: ANGPT1 is on the minus strand). VCF-style: chr8-107336179-A-T. GRCh37 (hg19) VCF-style: chr8-108348407-A-T.
Other names: c.546T>A, p.Asn182Lys (NM_001199859.3); c.-55T>A (NM_001314051.2); short protein forms N182K.
Identifiers: ClinVar variation 3681528 (VCV003681528.2).
Genomic context (GRCh38, chr8:107,336,179, plus strand): 5'-AGAAACATTTTTGGAATAAAGCAATCCTCACCTGTTTTTTTCATGGATCTTCAAGATTTC[A>T]TTTGTCTGTTGAAGAAGTTGCTTCTCTAGCTTGTAGGTGGATAATGAATTCTCCAGCAGC-3'
Protein context (NP_001137.2, residues 172-192): KLEKQLLQQT[Asn182Lys]EILKIHEKNS